The following is an entry in ClinVar:

ClinVar aggregate classification (germline): Likely pathogenic (1 of 4 stars; one submission).

Conditions:
Glycine encephalopathy. Also called: Non-ketotic hyperglycinemia; Nonketotic hyperglycinemia. Identifiers: Orphanet 407, MedGen C0751748, MONDO:0011612, HP:0008288.

Submission:

Labcorp Genetics (formerly Invitae), Labcorp
Classification: Likely pathogenic for Glycine encephalopathy. Last evaluated: 2021-02-02. Review status: criteria provided, single submitter. Criteria: Invitae Variant Classification Sherloc (09022015). Collection method: clinical testing. Allele origin: germline.
Comment: In summary, the currently available evidence indicates that the variant is pathogenic, but additional data are needed to prove that conclusively. Therefore, this variant has been classified as Likely Pathogenic. Advanced modeling of protein sequence and biophysical properties (such as structural, functional, and spatial information, amino acid conservation, physicochemical variation, residue mobility, and thermodynamic stability) performed at Invitae indicates that this missense variant is expected to disrupt GLDC protein function. This variant has been observed in individual(s) with glycine encephalopathy (PMID: 26179960). In at least one individual the data is consistent with the variant being in trans (on the opposite chromosome) from a pathogenic variant. This variant is not present in population databases (ExAC no frequency). This sequence change replaces proline with leucine at codon 615 of the GLDC protein (p.Pro615Leu). The proline residue is highly conserved and there is a moderate physicochemical difference between proline and leucine.

Literature cited by the submitters: PubMed 26179960.

NM_000170.3(GLDC):c.1844C>T (p.Pro615Leu)

Gene: GLDC (glycine decarboxylase; minus strand). Cytogenetic location: 9p24.1.
Variant type: single nucleotide variant.
Coding change: c.1844C>T on transcript NM_000170.3 (MANE Select); coding-DNA position 1844, C replaced by T.
Protein change: p.Pro615Leu; replaces proline 615 with leucine.
Molecular consequence: missense variant.
Genome position (GRCh38, 1-based): chr9:6,587,147, G>A on the plus strand (C>T on the coding strand, the complement: GLDC is on the minus strand). VCF-style: chr9-6587147-G-A. GRCh37 (hg19) VCF-style: chr9-6587147-G-A.
Other names: short protein forms P615L.
Identifiers: ClinVar variation 1494819 (VCV001494819.8), dbSNP rs2129831443, ClinGen allele CA372891117.